The following is an entry in ClinVar:

ClinVar aggregate classification (germline): Uncertain significance (1 of 4 stars; one submission).

Submission:

GeneDx
Classification: Uncertain significance. Last evaluated: 2025-01-15. Review status: criteria provided, single submitter. Criteria: GeneDx Variant Classification Process June 2021. Collection method: clinical testing. Allele origin: germline. Affected: yes.
Comment: Not observed at significant frequency in large population cohorts (gnomAD); In silico analysis supports that this missense variant has a deleterious effect on protein structure/function; Has not been previously published as pathogenic or benign to our knowledge

NM_031407.7(HUWE1):c.1930C>T (p.Arg644Trp)

Gene: HUWE1 (HECT, UBA and WWE domain containing E3 ubiquitin protein ligase 1; minus strand). Cytogenetic location: Xp11.22.
Variant type: single nucleotide variant.
Coding change: c.1930C>T on transcript NM_031407.7 (MANE Select); coding-DNA position 1930, C replaced by T.
Protein change: p.Arg644Trp; replaces arginine 644 with tryptophan.
Molecular consequence: missense variant.
Genome position (GRCh38, 1-based): chrX:53,616,997, G>A on the plus strand (C>T on the coding strand, the complement: HUWE1 is on the minus strand). VCF-style: chrX-53616997-G-A. GRCh37 (hg19) VCF-style: chrX-53643958-G-A.
Other names: short protein forms R644W.
Identifiers: ClinVar variation 4070786 (VCV004070786.1).